The following is an entry in ClinVar:

ClinVar aggregate classification (germline): Uncertain significance. Review status: criteria provided, multiple submitters, no conflicts (2 of 4 stars). 4 submissions from 4 submitters: Uncertain significance (4). Last evaluated 2025-12-06.

Conditions:
Dyskeratosis congenita. Identifiers: Orphanet 1775, MedGen C0265965, MONDO:0015780.
Inborn genetic diseases. Identifiers: MedGen C0950123, MeSH D030342.
Cerebroretinal microangiopathy with calcifications and cysts 1 (CRMCC1). Identifiers: Orphanet 313838, MedGen C4552029, MONDO:0024564, OMIM 612199.

Allele frequency attached by ClinVar (database versions not stated): gnomAD exomes 0.00001; TOPMed 0.00002; gnomAD 0.00004 and 0.00005; 1000 Genomes Project 30x 0.00031.

Submissions (4):

Labcorp Genetics (formerly Invitae), Labcorp
Classification: Uncertain significance for Dyskeratosis congenita. Last evaluated: 2025-12-06. Review status: criteria provided, single submitter. Criteria: Invitae Variant Classification Sherloc (09022015). Collection method: clinical testing. Allele origin: germline.
Comment: This sequence change replaces proline, which is neutral and non-polar, with alanine, which is neutral and non-polar, at codon 754 of the CTC1 protein (p.Pro754Ala). This variant is present in population databases (rs370354906, gnomAD 0.03%). This variant has not been reported in the literature in individuals affected with CTC1-related conditions. ClinVar contains an entry for this variant (Variation ID: 568849). Invitae Evidence Modeling of protein sequence and biophysical properties (such as structural, functional, and spatial information, amino acid conservation, physicochemical variation, residue mobility, and thermodynamic stability) indicates that this missense variant is not expected to disrupt CTC1 protein function with a negative predictive value of 80%. In summary, the available evidence is currently insufficient to determine the role of this variant in disease. Therefore, it has been classified as a Variant of Uncertain Significance.

Ambry Genetics
Classification: Uncertain significance for Inborn genetic diseases. Last evaluated: 2024-09-10. Review status: criteria provided, single submitter. Criteria: Ambry Variant Classification Scheme 2023. Collection method: clinical testing. Allele origin: germline.

Fulgent Genetics
Classification: Uncertain significance for Cerebroretinal microangiopathy with calcifications and cysts 1. Last evaluated: 2024-03-07. Review status: criteria provided, single submitter. Criteria: ACMG Guidelines, 2015. Collection method: clinical testing. Allele origin: germline.

Sema4
Classification: Uncertain significance for Dyskeratosis congenita. Last evaluated: 2021-10-13. Review status: criteria provided, single submitter. Criteria: Sema4 Curation Guidelines. Collection method: curation. Allele origin: germline.
Comment: The CTC1 c.2260C>G (p.P754A) variant has not been reported in the literature to our knowledge. It was observed in 2/34590 chromosomes of the Latino subpopulation in the large and broad cohorts of the Genome Aggregation Database (PMID: 32461654). The variant has been reported in ClinVar (Variation ID 568849). Functional studies have not been performed, and in silico predictions of the variant's effect on protein function are inconclusive. The evidence is insufficient to meet ACMG/AMP criteria for classifying the variant as benign or pathogenic. Thus, the clinical significance of this variant is currently uncertain.

NM_025099.6(CTC1):c.2260C>G (p.Pro754Ala)

Gene: CTC1 (CST telomere replication complex component 1; minus strand). Cytogenetic location: 17p13.1.
Variant type: single nucleotide variant.
Coding change: c.2260C>G on transcript NM_025099.6 (MANE Select); coding-DNA position 2260, C replaced by G.
Protein change: p.Pro754Ala; replaces proline 754 with alanine.
Molecular consequence: missense variant. On other transcripts: non-coding transcript variant (1).
Genome position (GRCh38, 1-based): chr17:8,232,028, G>C on the plus strand (C>G on the coding strand, the complement: CTC1 is on the minus strand). VCF-style: chr17-8232028-G-C. GRCh37 (hg19) VCF-style: chr17-8135346-G-C.
Other names: short protein forms P754A.
Identifiers: ClinVar variation 568849 (VCV000568849.13), dbSNP rs370354906, ClinGen allele CA287533695.